The following is an entry in ClinVar:

NM_006371.5(CRTAP):c.388C>T (p.Arg130Cys)

Gene: CRTAP (cartilage associated protein; plus strand). Cytogenetic location: 3p22.3.
Variant type: single nucleotide variant.
Coding change: c.388C>T on transcript NM_006371.5 (MANE Select); coding-DNA position 388, C replaced by T.
Protein change: p.Arg130Cys; replaces arginine 130 with cysteine.
Molecular consequence: missense variant.
Genome position (GRCh38, 1-based): chr3:33,114,465, C>T. VCF-style: chr3-33114465-C-T. GRCh37 (hg19) VCF-style: chr3-33155957-C-T.
Other names: c.388C>T, p.Arg130Cys (NM_001393363.1, NM_001393364.1, NM_001393365.1); short protein forms R130C.
Identifiers: ClinVar variation 643201 (VCV000643201.6), dbSNP rs969878155, ClinGen allele CA72699689.
Genomic context (GRCh38, chr3:33,114,465, plus strand): 5'-GGGGGCCTGCTGCGCCGCGCGCACTGCCTCAAGCGCTGCAAGCAGGGCCTGCCAGCCTTC[C>T]GCCAGTCCCAGCCCAGCCGCGAGGTGCTGGCGGACTTCCAGCGCCGCGAGCCCTACAAGT-3'
Protein context (NP_006362.1, residues 120-140): KRCKQGLPAF[Arg130Cys]QSQPSREVLA

ClinVar aggregate classification (germline): Uncertain significance. Review status: criteria provided, multiple submitters, no conflicts (2 of 4 stars). 2 submissions from 2 submitters: Uncertain significance (2). Last evaluated 2025-06-30.

Conditions:
Osteogenesis imperfecta type 7 (OI7). Also called: OSTEOGENESIS IMPERFECTA, TYPE IIB; Osteogenesis imperfecta type 2B; OI type 2B; Osteogenesis imperfecta, perinatal lethal autosomal recessive; OI type IIB; OI type 7. Identifiers: MedGen C1853162, MONDO:0012536, OMIM 610682.
Inborn genetic diseases. Identifiers: MedGen C0950123, MeSH D030342.

Allele frequency attached by ClinVar (database versions not stated): gnomAD exomes 0.00001; TOPMed 0.00002.

Submissions (2):

Ambry Genetics
Classification: Uncertain significance for Inborn genetic diseases. Last evaluated: 2025-06-30. Review status: criteria provided, single submitter. Criteria: Ambry Variant Classification Scheme 2023. Collection method: clinical testing. Allele origin: germline.

Labcorp Genetics (formerly Invitae), Labcorp
Classification: Uncertain significance for Osteogenesis imperfecta type 7. Last evaluated: 2021-08-30. Review status: criteria provided, single submitter. Criteria: Invitae Variant Classification Sherloc (09022015). Collection method: clinical testing. Allele origin: germline.
Comment: This sequence change replaces arginine with cysteine at codon 130 of the CRTAP protein (p.Arg130Cys). The arginine residue is highly conserved and there is a large physicochemical difference between arginine and cysteine. This variant is not present in population databases (ExAC no frequency). This variant has not been reported in the literature in individuals affected with CRTAP-related conditions. Algorithms developed to predict the effect of missense changes on protein structure and function are either unavailable or do not agree on the potential impact of this missense change (SIFT: "Deleterious"; PolyPhen-2: "Possibly Damaging"; Align-GVGD: "Class C0"). In summary, the available evidence is currently insufficient to determine the role of this variant in disease. Therefore, it has been classified as a Variant of Uncertain Significance.